The following is an entry in ClinVar:

ClinVar aggregate classification (germline): Likely pathogenic (1 of 4 stars; one submission).

Conditions:
Autosomal recessive limb-girdle muscular dystrophy type 2J (LGMDR10). Also called: Limb-girdle muscular dystrophy, type 2J; MUSCULAR DYSTROPHY, LIMB-GIRDLE, AUTOSOMAL RECESSIVE 10. Identifiers: Orphanet 140922, MedGen C1837342, MONDO:0012127, OMIM 608807.
Dilated cardiomyopathy 1G (CMD1G). Identifiers: Orphanet 154, MedGen C1858763, MONDO:0011400, OMIM 604145.

Submission:

Labcorp Genetics (formerly Invitae), Labcorp
Classification: Likely pathogenic for Dilated cardiomyopathy 1G; Autosomal recessive limb-girdle muscular dystrophy type 2J. Last evaluated: 2024-05-21. Review status: criteria provided, single submitter. Criteria: Invitae Variant Classification Sherloc (09022015). Collection method: clinical testing. Allele origin: germline.
Comment: This sequence change affects an acceptor splice site in intron 317 of the TTN gene. It is expected to disrupt RNA splicing and likely results in a truncated or disrupted TTN protein. This variant is not present in population databases (gnomAD no frequency). This variant has not been reported in the literature in individuals affected with TTN-related conditions. Algorithms developed to predict the effect of sequence changes on RNA splicing suggest that this variant may disrupt the consensus splice site. This variant is located in the A band of TTN (PMID: 25589632). Truncating variants in this region are significantly overrepresented in patients affected with dilated cardiomyopathy (PMID: 25589632). Truncating variants in this region have also been reported in individuals affected with autosomal recessive centronuclear myopathy (PMID: 23975875). In summary, the currently available evidence indicates that the variant is pathogenic, but additional data are needed to prove that conclusively. Therefore, this variant has been classified as Likely Pathogenic.

Literature cited by the submitters: PubMed 25589632; PubMed 23975875.

NM_001267550.2(TTN):c.67058-1G>T

Genes: TTN (titin; minus strand), TTN-AS1 (TTN antisense RNA 1; plus strand). Cytogenetic location: 2q31.2.
Variant type: single nucleotide variant.
Coding change: c.67058-1G>T on transcript NM_001267550.2 (MANE Select); the canonical splice acceptor site of the intron before coding-DNA position 67058, G replaced by T.
Molecular consequence: splice acceptor variant.
Genome position (GRCh38, 1-based): chr2:178,580,230, C>A on the plus strand (G>T on the coding strand, the complement: TTN is on the minus strand). VCF-style: chr2-178580230-C-A. GRCh37 (hg19) VCF-style: chr2-179444957-C-A.
Other names: c.39863-1G>T (NM_003319.4); c.40439-1G>T (NM_133437.4); c.40238-1G>T (NM_133432.3); c.59354-1G>T (NM_133378.4); c.62135-1G>T (NM_001256850.1).
Identifiers: ClinVar variation 3754412 (VCV003754412.2).
Genomic context (GRCh38, chr2:178,580,230, plus strand): 5'-CATAAGCAGAGTCTTTGGATATTTCCTTAACAGTCACATTGACAGGTGGCCCAGGAGTAT[C>A]TGGATAAATAGTAGGTAAATAAGAAATGAATGTGTAAAAAATACATAAGCTATTTTAAAA-3'